The following is an entry in ClinVar:

NM_016239.4(MYO15A):c.10076C>T (p.Pro3359Leu)

Gene: MYO15A (myosin XVA; plus strand). Cytogenetic location: 17p11.2.
Variant type: single nucleotide variant.
Coding change: c.10076C>T on transcript NM_016239.4 (MANE Select); coding-DNA position 10076, C replaced by T.
Protein change: p.Pro3359Leu; replaces proline 3359 with leucine.
Molecular consequence: missense variant.
Genome position (GRCh38, 1-based): chr17:18,167,717, C>T. VCF-style: chr17-18167717-C-T. GRCh37 (hg19) VCF-style: chr17-18071031-C-T.
Other names: short protein forms P3359L.
Identifiers: ClinVar variation 228941 (VCV000228941.10), dbSNP rs201763265, ClinGen allele CA8425781.

ClinVar aggregate classification (germline): Conflicting classifications of pathogenicity. Review status: criteria provided, conflicting classifications (1 of 4 stars). 5 submissions from 5 submitters: Uncertain significance (4); Likely benign (1). Last evaluated 2026-04-03.

Conditions:
MYO15A-related disorder. Also called: MYO15A-related condition.

Allele frequency attached by ClinVar (database versions not stated): ExAC 0.00009; gnomAD exomes 0.00010 and 0.00021; 1000 Genomes Project 30x 0.00016; 1000 Genomes Project 0.00020; TOPMed 0.00020; gnomAD 0.00023 and 0.00024; ESP Exome Variant Server 0.00031.
gnomAD v4.1: 332 of 1,603,230 alleles (0.021%); highest among the groups gnomAD compares: African/African-American, 0.053%; no homozygotes.

Submissions (5):

PreventionGenetics, part of Exact Sciences
Classification: Uncertain significance for MYO15A-related condition. Last evaluated: 2026-04-03. Review status: criteria provided, single submitter. Criteria: ACMG Guidelines, 2015. Collection method: clinical testing. Allele origin: germline.
Comment: The MYO15A c.10076C>T variant is predicted to result in the amino acid substitution p.Pro3359Leu. To our knowledge, this variant has not been reported in the literature. This variant is reported in 0.083% of alleles in individuals of African descent in gnomAD. Although we suspect that this variant may be benign, at this time, the clinical significance of this variant is uncertain due to the absence of conclusive functional and genetic evidence.

Labcorp Genetics (formerly Invitae), Labcorp
Classification: Likely benign. Last evaluated: 2026-01-19. Review status: criteria provided, single submitter. Criteria: Invitae Variant Classification Sherloc (09022015). Collection method: clinical testing. Allele origin: germline.

GeneDx
Classification: Uncertain significance. Last evaluated: 2023-09-25. Review status: criteria provided, single submitter. Criteria: GeneDx Variant Classification Process June 2021. Collection method: clinical testing. Allele origin: germline. Affected: yes.
Comment: In silico analysis supports that this missense variant has a deleterious effect on protein structure/function; Has not been previously published as pathogenic or benign to our knowledge

Laboratory for Molecular Medicine, Mass General Brigham Personalized Medicine
Classification: Uncertain significance. Last evaluated: 2018-01-30. Review status: criteria provided, single submitter. Criteria: LMM Criteria. Collection method: clinical testing. Allele origin: germline. Observed: 2 variant alleles.
Comment: It has also been identified in 0.1% (19/23970) of African chromosomes by the Genome Aggregation Database (gnomAD; dbSNP rs 201763265). Although this variant has been seen in the general population, its f requency is not high enough to rule out a pathogenic role. Computational predict ion tools and conservation analysis suggest that the variant may impact the prot ein, though this information is not predictive enough to determine pathogenicity . In summary, the clinical significance of the p.Pro3359Leu variant is uncertain . ACMG/AMP Criteria applied: PP3.

Breakthrough Genomics
Classification: Uncertain significance. Review status: criteria provided, single submitter. Criteria: ACMG Guidelines, 2015. Collection method: not provided. Allele origin: germline. Inheritance: Autosomal recessive inheritance. Affected: yes.